The following is an entry in ClinVar:

NM_005902.4(SMAD3):c.631C>G (p.Pro211Ala)

Gene: SMAD3 (SMAD family member 3; plus strand). Cytogenetic location: 15q22.33.
Variant type: single nucleotide variant.
Coding change: c.631C>G on transcript NM_005902.4 (MANE Select); coding-DNA position 631, C replaced by G.
Protein change: p.Pro211Ala; replaces proline 211 with alanine.
Molecular consequence: missense variant.
Genome position (GRCh38, 1-based): chr15:67,170,577, C>G. VCF-style: chr15-67170577-C-G. GRCh37 (hg19) VCF-style: chr15-67462915-C-G.
Other names: c.316C>G, p.Pro106Ala (NM_001145102.2, NM_001407016.1); c.499C>G, p.Pro167Ala (NM_001145103.2, NM_001407012.1); c.46C>G, p.Pro16Ala (NM_001145104.2, NM_001407017.1); c.631C>G, p.Pro211Ala (NM_001407011.1, NM_001407013.1); c.484C>G, p.Pro162Ala (NM_001407014.1); c.184C>G, p.Pro62Ala (NM_001407015.1); short protein forms P16A, P106A, P211A, P162A, P167A, P62A.
Identifiers: ClinVar variation 2998629 (VCV002998629.3), dbSNP rs1488421539, ClinGen allele CA392955033.

ClinVar aggregate classification (germline): Uncertain significance (1 of 4 stars; one submission).

Conditions:
Familial thoracic aortic aneurysm and aortic dissection (TAAD). Also called: Thoracic aortic aneurysms and dissections. Identifiers: Orphanet 91387, MedGen C4707243, MONDO:0019625.

gnomAD v4.1: 1 of 1,614,032 alleles (0.000062%); highest among the groups gnomAD compares: Admixed American, 0.0017%; no homozygotes.

Submission:

Labcorp Genetics (formerly Invitae), Labcorp
Classification: Uncertain significance for Familial thoracic aortic aneurysm and aortic dissection. Last evaluated: 2025-08-04. Review status: criteria provided, single submitter. Criteria: Invitae Variant Classification Sherloc (09022015). Collection method: clinical testing. Allele origin: germline.
Comment: This sequence change replaces proline, which is neutral and non-polar, with alanine, which is neutral and non-polar, at codon 211 of the SMAD3 protein (p.Pro211Ala). This variant is present in population databases (no rsID available, gnomAD 0.003%). This variant has not been reported in the literature in individuals affected with SMAD3-related conditions. ClinVar contains an entry for this variant (Variation ID: 2998629). Invitae Evidence Modeling of protein sequence and biophysical properties (such as structural, functional, and spatial information, amino acid conservation, physicochemical variation, residue mobility, and thermodynamic stability) indicates that this missense variant is not expected to disrupt SMAD3 protein function with a negative predictive value of 80%. In summary, the available evidence is currently insufficient to determine the role of this variant in disease. Therefore, it has been classified as a Variant of Uncertain Significance.